The following is an entry in ClinVar:

ClinVar aggregate classification (germline): Uncertain significance (1 of 4 stars; one submission).

Submission:

CeGaT Center for Human Genetics Tuebingen
Classification: Uncertain significance. Last evaluated: 2024-06-01. Review status: criteria provided, single submitter. Criteria: CeGaT Center For Human Genetics Tuebingen Variant Classification Criteria Version 2. Collection method: clinical testing. Allele origin: germline. Affected: yes. Observed: 1 variant allele.
Comment: STX1A: PM2

NM_004603.4(STX1A):c.802ATC[2] (p.Ile270del)

Gene: STX1A (syntaxin 1A; minus strand). Cytogenetic location: 7q11.23.
Variant type: Microsatellite.
Coding change: c.802ATC[2] on transcript NM_004603.4 (MANE Select); two copies in a row of the 3-base unit ATC starting at c.802; the reference has three copies in a row; one copy, 3 bases deleted.
Protein change: p.Ile270del; deletes isoleucine 270.
Molecular consequence: inframe deletion. On other transcripts: no sequence alteration (1).
Genome position (GRCh38, 1-based): chr7:73,700,464-73,700,466, GAT deleted on the plus strand (ATC on the coding strand, the reverse complement: STX1A is on the minus strand); deleting any 3 consecutive bases within chr7:73,700,464-73,700,472 gives the same sequence; the position shown is the placement nearest the transcript's 3' end. VCF-style (leftmost placement, unchanged base first): chr7-73700463-AGAT-A. GRCh37 (hg19) VCF-style: chr7-73114793-AGAT-A.
Other names: c.756ATC[2], p.Ter252= (NM_001165903.2); short protein forms I270del.
Identifiers: ClinVar variation 3251067 (VCV003251067.18), dbSNP rs782282599.